The following is an entry in ClinVar:

NM_001287491.2(TET3):c.359A>G (p.Lys120Arg)

Gene: TET3 (tet methylcytosine dioxygenase 3; plus strand). Cytogenetic location: 2p13.1.
Variant type: single nucleotide variant.
Coding change: c.359A>G on transcript NM_001287491.2 (MANE Select); coding-DNA position 359, A replaced by G.
Protein change: p.Lys120Arg; replaces lysine 120 with arginine.
Molecular consequence: missense variant.
Genome position (GRCh38, 1-based): chr2:74,003,165, A>G. VCF-style: chr2-74003165-A-G. GRCh37 (hg19) VCF-style: chr2-74230292-A-G.
Other names: c.80A>G, p.Lys27Arg (NM_001366022.1); short protein forms K120R, K27R.
Identifiers: ClinVar variation 4072738 (VCV004072738.1).
Genomic context (GRCh38, chr2:74,003,165, plus strand): 5'-TGCAGGTGGAAATAAAGGCTGGTGAAGGAGCCGGGCCGTGGGGACAAGGAGCGGCTGTCA[A>G]GGTACCTTGTGTGTGTGCGTGCGTGTGTGTGCGTGTGTGTGGTGGCGGTGAAGTGTTTGA-3'
Protein context (NP_001274420.1, residues 110-130): AGPWGQGAAV[Lys120Arg]TGSELSPVDG

ClinVar aggregate classification (germline): Uncertain significance (1 of 4 stars; one submission).

gnomAD v4.1: 6 of 1,549,322 alleles (0.00039%); highest among the groups gnomAD compares: South Asian, 0.0024%; no homozygotes.

Submission:

GeneDx
Classification: Uncertain significance. Last evaluated: 2025-01-30. Review status: criteria provided, single submitter. Criteria: GeneDx Variant Classification Process June 2021. Collection method: clinical testing. Allele origin: germline. Affected: yes.
Comment: Not observed at significant frequency in large population cohorts (gnomAD); In silico analysis indicates that this missense variant does not alter protein structure/function; In silico analysis is inconclusive as to whether the variant alters gene splicing. In the absence of RNA/functional studies, the actual effect of this sequence change is unknown.; Has not been previously published as pathogenic or benign to our knowledge